The following is an entry in ClinVar:

NM_004187.5(KDM5C):c.738G>C (p.Met246Ile)

Gene: KDM5C (lysine demethylase 5C; minus strand). Cytogenetic location: Xp11.22.
Variant type: single nucleotide variant.
Coding change: c.738G>C on transcript NM_004187.5 (MANE Select); coding-DNA position 738, G replaced by C.
Protein change: p.Met246Ile; replaces methionine 246 with isoleucine.
Molecular consequence: missense variant. On other transcripts: non-coding transcript variant (3).
Genome position (GRCh38, 1-based): chrX:53,216,117, C>G on the plus strand (G>C on the coding strand, the complement: KDM5C is on the minus strand). VCF-style: chrX-53216117-C-G. GRCh37 (hg19) VCF-style: chrX-53245299-C-G.
Other names: c.537G>C, p.Met179Ile (NM_001146702.2); c.735G>C, p.Met245Ile (NM_001282622.3, NM_001353979.2, NM_001353982.2); c.738G>C, p.Met246Ile (NM_001353978.3, NM_001353981.2, NM_001353984.2); short protein forms M246I, M245I, M179I.
Identifiers: ClinVar variation 134591 (VCV000134591.1), dbSNP rs797044474, ClinGen allele CA160278.

ClinVar aggregate classification (germline): not provided (0 of 4 stars; one submission).

Submission:

ITMI
No classification provided. Condition: AllHighlyPenetrant. Last evaluated: 2013-09-19. Review status: no classification provided. Collection method: reference population. Allele origin: germline.
Comment: Please see associated publication for description of ethnicities

Literature cited by the submitters: PubMed 24728327.